The following is an entry in ClinVar:

NM_213599.3(ANO5):c.736T>C (p.Tyr246His)

Gene: ANO5 (anoctamin 5; plus strand). Cytogenetic location: 11p14.3.
Variant type: single nucleotide variant.
Coding change: c.736T>C on transcript NM_213599.3 (MANE Select); coding-DNA position 736, T replaced by C.
Protein change: p.Tyr246His; replaces tyrosine 246 with histidine.
Molecular consequence: missense variant.
Genome position (GRCh38, 1-based): chr11:22,236,250, T>C. VCF-style: chr11-22236250-T-C. GRCh37 (hg19) VCF-style: chr11-22257796-T-C.
Other names: c.733T>C, p.Tyr245His (NM_001142649.2); short protein forms Y246H, Y245H.
Identifiers: ClinVar variation 452899 (VCV000452899.11), dbSNP rs1219063834, ClinGen allele CA379920298.

ClinVar aggregate classification (germline): Uncertain significance. Review status: criteria provided, multiple submitters, no conflicts (2 of 4 stars). 2 submissions from 2 submitters: Uncertain significance (2). Last evaluated 2023-10-24.

Conditions:
Autosomal recessive limb-girdle muscular dystrophy type 2L (LGMDR12). Also called: Limb-Girdle Muscular Dystrophy R12 Anoctamin-5-Related (LGMD-R12); Limb-girdle muscular dystrophy, type 2L; MUSCULAR DYSTROPHY, LIMB-GIRDLE, AUTOSOMAL RECESSIVE 12. Identifiers: Orphanet 206549, MedGen C1969785, MONDO:0012652, OMIM 611307.
Gnathodiaphyseal dysplasia (GDD). Also called: GNATHODIAPHYSEAL SCLEROSIS; OSTEOGENESIS IMPERFECTA WITH UNUSUAL SKELETAL LESIONS. Identifiers: Orphanet 53697, MedGen C1833736, MONDO:0008151, OMIM 166260.

Allele frequency attached by ClinVar (database versions not stated): gnomAD exomes below 0.00001; TOPMed below 0.00001; gnomAD 0.00003.
gnomAD v4.1: 3 of 1,612,934 alleles (0.00019%); highest among the groups gnomAD compares: Non-Finnish European, 0.00025%; no homozygotes.

Submissions (2):

Labcorp Genetics (formerly Invitae), Labcorp
Classification: Uncertain significance for Autosomal recessive limb-girdle muscular dystrophy type 2L; Gnathodiaphyseal dysplasia. Last evaluated: 2023-10-24. Review status: criteria provided, single submitter. Criteria: Invitae Variant Classification Sherloc (09022015). Collection method: clinical testing. Allele origin: germline.
Comment: This sequence change replaces tyrosine, which is neutral and polar, with histidine, which is basic and polar, at codon 246 of the ANO5 protein (p.Tyr246His). This variant is present in population databases (no rsID available, gnomAD 0.007%). This variant has not been reported in the literature in individuals affected with ANO5-related conditions. ClinVar contains an entry for this variant (Variation ID: 452899). Advanced modeling of protein sequence and biophysical properties (such as structural, functional, and spatial information, amino acid conservation, physicochemical variation, residue mobility, and thermodynamic stability) performed at Invitae indicates that this missense variant is expected to disrupt ANO5 protein function with a positive predictive value of 95%. In summary, the available evidence is currently insufficient to determine the role of this variant in disease. Therefore, it has been classified as a Variant of Uncertain Significance.

GeneDx
Classification: Uncertain significance. Last evaluated: 2017-10-19. Review status: criteria provided, single submitter. Criteria: GeneDx Variant Classification (06012015). Collection method: clinical testing. Allele origin: germline. Affected: yes.
Comment: The Y246H variant has not been published as a pathogenic variant, nor has it been reported as a benign variant to our knowledge. The Y246H variant is not observed at a significant frequency in large population cohorts (Lek et al., 2016). This variant is a non-conservative amino acid substitution, which is likely to impact secondary protein structure as these residues differ in polarity, charge, size and/or other properties. This substitution occurs at a position that is conserved across species, and in silico analysis predicts this variant is probably damaging to the protein structure/function.